The following is an entry in ClinVar:

NM_001130144.3(LTBP3):c.1682C>T (p.Ser561Phe)

Gene: LTBP3 (latent transforming growth factor beta binding protein 3; minus strand). Cytogenetic location: 11q13.1.
Variant type: single nucleotide variant.
Coding change: c.1682C>T on transcript NM_001130144.3 (MANE Select); coding-DNA position 1682, C replaced by T.
Protein change: p.Ser561Phe; replaces serine 561 with phenylalanine.
Molecular consequence: missense variant.
Genome position (GRCh38, 1-based): chr11:65,551,164, G>A on the plus strand (C>T on the coding strand, the complement: LTBP3 is on the minus strand). VCF-style: chr11-65551164-G-A. GRCh37 (hg19) VCF-style: chr11-65318635-G-A.
Other names: c.1331C>T, p.Ser444Phe (NM_001164266.1); c.1682C>T, p.Ser561Phe (NM_021070.4); short protein forms S561F, S444F.
Identifiers: ClinVar variation 2074289 (VCV002074289.4), dbSNP rs1400298165, ClinGen allele CA381272690.
Genomic context (GRCh38, chr11:65,551,164, plus strand): 5'-GGCTTTGCTGGGCGGGCCTTACCTGTGACCTGAGTGGGAGCGATCTCTACGGCGCTGCGG[G>A]AAGGAGGCAAGTCCGGCAGGAACCAGCGCATGGTCGGGGGCGAGGGACGGGAGATCAGCT-3'
Protein context (NP_001123616.1, residues 551-571): MRWFLPDLPP[Ser561Phe]RSAVEIAPTQ

ClinVar aggregate classification (germline): Uncertain significance (1 of 4 stars; one submission).

Conditions:
Brachyolmia-amelogenesis imperfecta syndrome. Also called: PLATYSPONDYLY WITH AMELOGENESIS IMPERFECTA; Tooth agenesis, selective, 6; Dental anomalies and short stature. Identifiers: Orphanet 2899, MedGen C1832594, MONDO:0011018, OMIM 601216. Disease mechanism: loss of function.

Allele frequency attached by ClinVar (database versions not stated): gnomAD 0.00001; TOPMed below 0.00001; gnomAD exomes below 0.00001.
gnomAD v4.1: 2 of 1,553,788 alleles (0.00013%); highest among the groups gnomAD compares: Non-Finnish European, 0.00017%; no homozygotes.

Submission:

Labcorp Genetics (formerly Invitae), Labcorp
Classification: Uncertain significance for Brachyolmia-amelogenesis imperfecta syndrome. Last evaluated: 2022-10-04. Review status: criteria provided, single submitter. Criteria: Invitae Variant Classification Sherloc (09022015). Collection method: clinical testing. Allele origin: germline.
Comment: This sequence change replaces serine, which is neutral and polar, with phenylalanine, which is neutral and non-polar, at codon 561 of the LTBP3 protein (p.Ser561Phe). In summary, the available evidence is currently insufficient to determine the role of this variant in disease. Therefore, it has been classified as a Variant of Uncertain Significance. Algorithms developed to predict the effect of missense changes on protein structure and function are either unavailable or do not agree on the potential impact of this missense change (SIFT: "Tolerated"; PolyPhen-2: "Possibly Damaging"; Align-GVGD: "Class C0"). This variant has not been reported in the literature in individuals affected with LTBP3-related conditions. This variant is present in population databases (no rsID available, gnomAD 0.001%).